The following is an entry in ClinVar:

ClinVar aggregate classification (germline): Uncertain significance (0 of 4 stars; one submission).

Conditions:
PCNT-related disorder. Also called: PCNT-related condition.

Submission:

PreventionGenetics, part of Exact Sciences
Classification: Uncertain significance for PCNT-related condition. Last evaluated: 2024-01-03. Review status: no assertion criteria provided. Collection method: clinical testing. Allele origin: germline.
Comment: The PCNT c.8681G>C variant is predicted to result in the amino acid substitution p.Ser2894Thr. To our knowledge, this variant has not been reported in the literature. This variant is reported in 0.0058% of alleles in individuals of Latino descent in gnomAD. At this time, the clinical significance of this variant is uncertain due to the absence of conclusive functional and genetic evidence.

NM_006031.6(PCNT):c.8681G>C (p.Ser2894Thr)

Gene: PCNT (pericentrin; plus strand). Cytogenetic location: 21q22.3.
Variant type: single nucleotide variant.
Coding change: c.8681G>C on transcript NM_006031.6 (MANE Select); coding-DNA position 8681, G replaced by C.
Protein change: p.Ser2894Thr; replaces serine 2894 with threonine.
Molecular consequence: missense variant. On other transcripts: intron variant (1).
Genome position (GRCh38, 1-based): chr21:46,432,145, G>C. VCF-style: chr21-46432145-G-C. GRCh37 (hg19) VCF-style: chr21-47852059-G-C.
Other names: c.8160+167G>C (NM_001315529.2); short protein forms S2894T.
Identifiers: ClinVar variation 3351047 (VCV003351047.1).